The following is an entry in ClinVar:

ClinVar aggregate classification (germline): Likely benign (1 of 4 stars; one submission).

Conditions:
Hereditary coproporphyria (HCP). Also called: Hereditary coproporphyria porphyria; Porphyria hepatica coproporphyria; Porphyria hepatica II; CPRO deficiency; COPROPORPHYRINOGEN OXIDASE DEFICIENCY; CPO DEFICIENCY. Identifiers: Orphanet 79273, MedGen C0162531, MONDO:0007369, OMIM 121300.

Allele frequency attached by ClinVar (database versions not stated): ExAC 0.00002; gnomAD exomes 0.00002.
gnomAD v4.1: 8 of 1,612,866 alleles (0.0005%); highest among the groups gnomAD compares: Non-Finnish European, 0.00068%; no homozygotes.

Submission:

Illumina Laboratory Services, Illumina
Classification: Likely benign for Hereditary coproporphyria. Last evaluated: 2018-01-12. Review status: criteria provided, single submitter. Criteria: ICSL Variant Classification Criteria 13 December 2019. Collection method: clinical testing. Allele origin: germline.
Comment: This variant was observed in the ICSL laboratory as part of a predisposition screen in an ostensibly healthy population. It had not been previously curated by ICSL or reported in the Human Gene Mutation Database (HGMD: prior to June 1st, 2018), and was therefore a candidate for classification through an automated scoring system. Utilizing variant allele frequency, disease prevalence and penetrance estimates, and inheritance mode, an automated score was calculated to assess if this variant is too frequent to cause the disease. Based on the score and internal cut-off values, a variant classified as likely benign is not then subjected to further curation. The score for this variant resulted in a classification of likely benign for this disease.

NM_000097.7(CPOX):c.1172+7G>A

Gene: CPOX (coproporphyrinogen oxidase; minus strand). Cytogenetic location: 3q11.2.
Variant type: single nucleotide variant.
Coding change: c.1172+7G>A on transcript NM_000097.7 (MANE Select); 7 bases into the intron after coding-DNA position 1172, G replaced by A.
Molecular consequence: intron variant.
Genome position (GRCh38, 1-based): chr3:98,585,434, C>T on the plus strand (G>A on the coding strand, the complement: CPOX is on the minus strand). VCF-style: chr3-98585434-C-T. GRCh37 (hg19) VCF-style: chr3-98304278-C-T.
Identifiers: ClinVar variation 901022 (VCV000901022.4), dbSNP rs778215224, ClinGen allele CA2511506.